The following is an entry in ClinVar:

NM_018006.5(TRMU):c.581dup (p.Leu195fs)

Gene: TRMU (tRNA mitochondrial 2-thiouridylase; plus strand). Cytogenetic location: 22q13.31.
Variant type: Duplication.
Coding change: c.581dup on transcript NM_018006.5 (MANE Select); coding-DNA position 581, one base duplicated (G; older notation c.581dupG).
Protein change: p.Leu195fs; shifts the reading frame from leucine 195.
Molecular consequence: frameshift variant. On other transcripts: non-coding transcript variant (2).
Genome position (GRCh38, 1-based): chr22:46,350,393, G duplicated; the last of 6 consecutive G bases (chr22:46,350,388-46,350,393); duplicating any one gives the same sequence. VCF-style (leftmost placement, unchanged base first): chr22-46350387-T-TG. GRCh37 (hg19) VCF-style: chr22-46746284-T-TG.
Other names: c.581dupG (NM_018006.4); c.*25dup (NM_001008568.2); c.*119dup (NM_001008570.2); c.239dup, p.Leu81fs (NM_001282782.2); c.161dup, p.Leu55fs (NM_001282783.2, NM_001282784.2); c.581dup, p.Leu195fs (NM_001282785.2); short protein forms L81fs, L55fs, L195fs.
Identifiers: ClinVar variation 2154507 (VCV002154507.7), dbSNP rs763926467, ClinGen allele CA753654608.

ClinVar aggregate classification (germline): Pathogenic/Likely pathogenic. Review status: criteria provided, multiple submitters, no conflicts (2 of 4 stars). 4 submissions from 4 submitters: Pathogenic (1); Likely pathogenic (3). Last evaluated 2025-10-23.

Conditions:
Aminoglycoside-induced deafness. Also called: MT-RNR1-Related Hearing Loss and Deafness; DEAFNESS, STREPTOMYCIN-INDUCED; STREPTOMYCIN OTOTOXICITY. Identifiers: Orphanet 168609, MedGen C1838854, MONDO:0010799, OMIM 580000.
Acute infantile liver failure due to synthesis defect of mtDNA-encoded proteins. Also called: LIVER FAILURE, INFANTILE, TRANSIENT; Liver failure acute infantile; TRMU Deficiency. Identifiers: Orphanet 217371, MedGen C3278664, MONDO:0013111, OMIM 613070.

Submissions (4):

Natera, Inc.
Classification: Likely pathogenic for Acute infantile liver failure due to synthesis defect of mtDNA-encoded proteins. Last evaluated: 2025-10-23. Review status: criteria provided, single submitter. Criteria: Natera Variant Classification Schema (03/2026). Collection method: clinical testing. Allele origin: germline.
Comment: The c.581dupG variant in TRMU is a frameshift variant predicted to shift the reading frame beginning at codon 195 and leads to a stop codon 12 codons downstream. This variant is expected to result in nonsense mediated decay, truncation, or a dysfunctional protein product. This variant is rare in the general population with a frequency below the threshold expected for the associated phenotype(s). Given the available evidence, this variant is classified as Likely Pathogenic.

Labcorp Genetics (formerly Invitae), Labcorp
Classification: Pathogenic. Last evaluated: 2024-10-31. Review status: criteria provided, single submitter. Criteria: Invitae Variant Classification Sherloc (09022015). Collection method: clinical testing. Allele origin: germline.
Comment: This sequence change creates a premature translational stop signal (p.Leu195Ilefs*12) in the TRMU gene. It is expected to result in an absent or disrupted protein product. Loss-of-function variants in TRMU are known to be pathogenic (PMID: 19732863, 23625533). This variant is not present in population databases (gnomAD no frequency). This variant has not been reported in the literature in individuals affected with TRMU-related conditions. ClinVar contains an entry for this variant (Variation ID: 2154507). Algorithms developed to predict the effect of sequence changes on RNA splicing suggest that this variant may disrupt the consensus splice site. For these reasons, this variant has been classified as Pathogenic.

Fulgent Genetics
Classification: Likely pathogenic for Aminoglycoside-induced deafness; Acute infantile liver failure due to synthesis defect of mtDNA-encoded proteins. Last evaluated: 2024-01-30. Review status: criteria provided, single submitter. Criteria: ACMG Guidelines, 2015. Collection method: clinical testing. Allele origin: germline.

Baylor Genetics
Classification: Likely pathogenic for Aminoglycoside-induced deafness. Last evaluated: 2023-09-30. Review status: criteria provided, single submitter. Criteria: ACMG Guidelines, 2015. Collection method: clinical testing. Allele origin: unknown.

Literature cited by the submitters: PubMed 19732863 (cited by Labcorp Genetics (formerly Invitae), Labcorp); PubMed 23625533 (cited by Labcorp Genetics (formerly Invitae), Labcorp).